The following is an entry in ClinVar:

ClinVar aggregate classification (germline): Conflicting classifications of pathogenicity. Review status: criteria provided, conflicting classifications (1 of 4 stars). 17 submissions from 13 submitters: Uncertain significance (4); Benign (2); Likely benign (9). 2 of the submissions do not count toward it. Last evaluated 2026-06-01.

Conditions:
TTN-related disorder. Also called: TTN-related disorders; TTN-related condition; TTN-related disease.
Cardiovascular phenotype. Identifiers: MedGen CN230736.
Autosomal recessive limb-girdle muscular dystrophy type 2J (LGMDR10). Also called: MUSCULAR DYSTROPHY, LIMB-GIRDLE, AUTOSOMAL RECESSIVE 10; Limb-girdle muscular dystrophy, type 2J. Identifiers: Orphanet 140922, MedGen C1837342, MONDO:0012127, OMIM 608807.
Dilated cardiomyopathy 1G (CMD1G). Identifiers: Orphanet 154, MedGen C1858763, MONDO:0011400, OMIM 604145.
Early-onset myopathy with fatal cardiomyopathy (CMYO5). Also called: CONGENITAL MYOPATHY 5 WITH CARDIOMYOPATHY; Salih Myopathy. Identifiers: Orphanet 289377, MedGen C2673677, MONDO:0012714, OMIM 611705. Disease mechanism: loss of function.
Myopathy, myofibrillar, 9, with early respiratory failure (MFM9). Also called: Myopathy, distal, with early respiratory failure, autosomal dominant; Hereditary myopathy with early respiratory failure; EDSTROM MYOPATHY; MYOPATHY, PROXIMAL, WITH EARLY RESPIRATORY MUSCLE INVOLVEMENT. Identifiers: Orphanet 178464, Orphanet 34521, MedGen C1863599, MONDO:0011362, OMIM 603689.
Tibial muscular dystrophy (TMD). Also called: Tibial muscular dystrophy, tardive; Udd Distal Myopathy – Tibial Muscular Dystrophy; UDD MYOPATHY. Identifiers: Orphanet 609, MedGen C1838244, MONDO:0010870, OMIM 600334.

Allele frequency attached by ClinVar (database versions not stated): ExAC 0.00022; gnomAD exomes 0.00020; ESP Exome Variant Server 0.00008; TOPMed 0.00015; gnomAD 0.00017 and 0.00018.

Submissions (17):

CeGaT Center for Human Genetics Tuebingen
Classification: Likely benign. Last evaluated: 2026-06-01. Review status: criteria provided, single submitter. Criteria: CeGaT Center For Human Genetics Tuebingen Variant Classification Criteria Version 2. Collection method: clinical testing. Allele origin: germline. Affected: yes. Observed: 10 variant alleles.
Comment: TTN: BP4, BP7

Labcorp Genetics (formerly Invitae), Labcorp
Classification: Likely benign for Dilated cardiomyopathy 1G; Autosomal recessive limb-girdle muscular dystrophy type 2J. Last evaluated: 2026-01-19. Review status: criteria provided, single submitter. Criteria: Invitae Variant Classification Sherloc (09022015). Collection method: clinical testing. Allele origin: germline.

PreventionGenetics, part of Exact Sciences
Classification: Likely benign for TTN-related condition. Last evaluated: 2025-09-04. Review status: criteria provided, single submitter. Criteria: ACMG Guidelines, 2015. Collection method: clinical testing. Allele origin: germline.
Comment: This variant is classified as likely benign based on ACMG/AMP sequence variant interpretation guidelines (Richards et al. 2015 PMID: 25741868, with internal and published modifications).

Laboratory of Genetics, Children's Clinical University Hospital Latvia
Classification: Likely benign. Last evaluated: 2025-02-16. Review status: criteria provided, single submitter. Criteria: ACMG Guidelines, 2015. Collection method: clinical testing. Allele origin: germline. Affected: yes.

Blueprint Genetics
Classification: Likely benign. Last evaluated: 2024-11-13. Review status: criteria provided, single submitter. Criteria: ACMG Guidelines, 2015. Collection method: clinical testing. Allele origin: germline.

Women's Health and Genetics/Laboratory Corporation of America, LabCorp
Classification: Likely benign. Last evaluated: 2023-05-22. Review status: criteria provided, single submitter. Criteria: LabCorp Variant Classification Summary - May 2015. Collection method: clinical testing. Allele origin: germline.

Illumina Laboratory Services, Illumina
Classification: Uncertain significance for Dilated cardiomyopathy 1G. Last evaluated: 2018-01-13. Review status: criteria provided, single submitter. Criteria: ICSL Variant Classification Criteria 13 December 2019. Collection method: clinical testing. Allele origin: germline.

Illumina Laboratory Services, Illumina
Classification: Benign for Tibial muscular dystrophy. Last evaluated: 2018-01-13. Review status: criteria provided, single submitter. Criteria: ICSL Variant Classification Criteria 13 December 2019. Collection method: clinical testing. Allele origin: germline.
Comment: This variant was observed in the ICSL laboratory as part of a predisposition screen in an ostensibly healthy population. It had not been previously curated by ICSL or reported in the Human Gene Mutation Database (HGMD: prior to June 1st, 2018), and was therefore a candidate for classification through an automated scoring system. Utilizing variant allele frequency, disease prevalence and penetrance estimates, and inheritance mode, an automated score was calculated to assess if this variant is too frequent to cause the disease. Based on the score and internal cut-off values, a variant classified as benign is not then subjected to further curation. The score for this variant resulted in a classification of benign for this disease.

Illumina Laboratory Services, Illumina
Classification: Uncertain significance for Early-onset myopathy with fatal cardiomyopathy. Last evaluated: 2018-01-13. Review status: criteria provided, single submitter. Criteria: ICSL Variant Classification Criteria 13 December 2019. Collection method: clinical testing. Allele origin: germline.

Illumina Laboratory Services, Illumina
Classification: Uncertain significance for Autosomal recessive limb-girdle muscular dystrophy type 2J. Last evaluated: 2018-01-13. Review status: criteria provided, single submitter. Criteria: ICSL Variant Classification Criteria 13 December 2019. Collection method: clinical testing. Allele origin: germline.

Illumina Laboratory Services, Illumina
Classification: Benign for Myopathy, myofibrillar, 9, with early respiratory failure. Last evaluated: 2018-01-13. Review status: criteria provided, single submitter. Criteria: ICSL Variant Classification Criteria 13 December 2019. Collection method: clinical testing. Allele origin: germline.
Comment: the same text as in the submission from Illumina Laboratory Services, Illumina above.

GeneDx
Classification: Likely benign. Last evaluated: 2017-07-27. Review status: criteria provided, single submitter. Criteria: GeneDx Variant Classification (06012015). Collection method: clinical testing. Allele origin: germline. Affected: yes.
Comment: This variant is considered likely benign or benign based on one or more of the following criteria: it is a conservative change, it occurs at a poorly conserved position in the protein, it is predicted to be benign by multiple in silico algorithms, and/or has population frequency not consistent with disease.

Ambry Genetics
Classification: Likely benign for Cardiovascular phenotype. Last evaluated: 2016-06-16. Review status: criteria provided, single submitter. Criteria: Ambry Variant Classification Scheme 2023. Collection method: clinical testing. Allele origin: germline.

Eurofins Ntd Llc (ga)
Classification: Uncertain significance. Last evaluated: 2015-06-22. Review status: criteria provided, single submitter. Criteria: EGL Classification Definitions 2015. Collection method: clinical testing. Allele origin: germline. Observed: 3 variant alleles, 3 heterozygotes.

Laboratory for Molecular Medicine, Mass General Brigham Personalized Medicine
Classification: Likely benign. Last evaluated: 2012-03-19. Review status: criteria provided, single submitter. Criteria: LMM Criteria. Collection method: clinical testing. Allele origin: germline. Observed: 4 variant alleles.
Comment: Thr29516Thr in exon 295 of TTN: This variant is not expected to have clinical si gnificance because it does not alter an amino acid residue and is not located wi thin the splice consensus sequence. It has been identified in 1/6666 European Am erican chromosomes from a broad population by the NHLBI Exome Sequencing Project (dbSNP rs369626133).

Genome Diagnostics Laboratory, University Medical Center Utrecht
Classification: Likely benign. Review status: no assertion criteria provided. Collection method: clinical testing. Allele origin: germline. Affected: yes. Study: VKGL Data-share Consensus. Not counted in ClinVar's aggregate classification.

Joint Genome Diagnostic Labs from Nijmegen and Maastricht, Radboudumc and MUMC+
Classification: Benign. Review status: no assertion criteria provided. Collection method: clinical testing. Allele origin: germline. Affected: yes. Study: VKGL Data-share Consensus. Not counted in ClinVar's aggregate classification.

NM_001267550.2(TTN):c.96252A>G (p.Thr32084=)

Genes: TTN (titin; minus strand), TTN-AS1 (TTN antisense RNA 1; plus strand), LOC126806421 (CDK7 strongly-dependent group 2 enhancer GRCh37_chr2:179407630-179408829; plus strand). Cytogenetic location: 2q31.2.
Variant type: single nucleotide variant.
Coding change: c.96252A>G on transcript NM_001267550.2 (MANE Select); coding-DNA position 96252, A replaced by G.
Protein change: p.Thr32084=; no amino-acid change (threonine 32084 retained).
Molecular consequence: synonymous variant.
Genome position (GRCh38, 1-based): chr2:178,543,892, T>C on the plus strand (A>G on the coding strand, the complement: TTN is on the minus strand). VCF-style: chr2-178543892-T-C. GRCh37 (hg19) VCF-style: chr2-179408619-T-C.
Other names: c.91329A>G, p.Thr30443= (NM_001256850.1); c.69057A>G, p.Thr23019= (NM_003319.4); c.88548A>G, p.Thr29516= (NM_133378.4); c.69432A>G, p.Thr23144= (NM_133432.3); c.69633A>G, p.Thr23211= (NM_133437.4).
Identifiers: ClinVar variation 47568 (VCV000047568.75), dbSNP rs369626133, ClinGen allele CA141374.